The following is an entry in ClinVar:

ClinVar aggregate classification (germline): Uncertain significance. Review status: criteria provided, multiple submitters, no conflicts (2 of 4 stars). 2 submissions from 2 submitters: Uncertain significance (2). Last evaluated 2025-04-02.

Conditions:
Intellectual developmental disorder, autosomal dominant 44, with microcephaly. Also called: TRIO-Related Intellectual Disability; Micrognathia-recurrent infections-behavioral abnormalities-mild intellectual disability syndrome. Identifiers: Orphanet 476126, MedGen C4310740, MONDO:0014892, OMIM 617061.

Allele frequency attached by ClinVar (database versions not stated): gnomAD exomes 0.00001; ExAC 0.00001.
gnomAD v4.1: 7 of 1,604,354 alleles (0.00044%); highest among the groups gnomAD compares: Middle Eastern, 0.017%; no homozygotes.

Submissions (2):

Clinical Genetics Laboratory, University Hospital Schleswig-Holstein
Classification: Uncertain significance for Intellectual developmental disorder, autosomal dominant 44, with microcephaly. Last evaluated: 2025-04-02. Review status: criteria provided, single submitter. Criteria: ACMG Guidelines, 2015. Collection method: clinical testing. Allele origin: germline. Affected: yes. Observed: 1 heterozygote.
Comment: ACMG criteria applied: PM2, PP3, PM1

GeneDx
Classification: Uncertain significance. Last evaluated: 2024-11-06. Review status: criteria provided, single submitter. Criteria: GeneDx Variant Classification Process June 2021. Collection method: clinical testing. Allele origin: germline. Affected: yes.
Comment: In silico analysis supports that this missense variant has a deleterious effect on protein structure/function; Has not been previously published as pathogenic or benign to our knowledge

NM_007118.4(TRIO):c.4322C>T (p.Thr1441Met)

Gene: TRIO (trio Rho guanine nucleotide exchange factor; plus strand). Cytogenetic location: 5p15.2.
Variant type: single nucleotide variant.
Coding change: c.4322C>T on transcript NM_007118.4 (MANE Select); coding-DNA position 4322, C replaced by T.
Protein change: p.Thr1441Met; replaces threonine 1441 with methionine.
Molecular consequence: missense variant. On other transcripts: non-coding transcript variant (1).
Genome position (GRCh38, 1-based): chr5:14,397,053, C>T. VCF-style: chr5-14397053-C-T. GRCh37 (hg19) VCF-style: chr5-14397162-C-T.
Other names: short protein forms T1441M.
Identifiers: ClinVar variation 1305012 (VCV001305012.5), dbSNP rs763926725, ClinGen allele CA3206456.